The following is an entry in ClinVar:

ClinVar aggregate classification (germline): Uncertain significance. Review status: criteria provided, multiple submitters, no conflicts (2 of 4 stars). 3 submissions from 3 submitters: Uncertain significance (3). Last evaluated 2025-12-29.

Submissions (3):

Center for Genomic Medicine, Rigshospitalet, Copenhagen University Hospital
Classification: Uncertain significance. Last evaluated: 2025-12-29. Review status: criteria provided, single submitter. Criteria: ACMG Guidelines, 2015. Collection method: clinical testing. Allele origin: germline.

Ambry Genetics
Classification: Uncertain significance. Last evaluated: 2025-05-14. Review status: criteria provided, single submitter. Criteria: Ambry Variant Classification Scheme 2023. Collection method: clinical testing. Allele origin: germline.
Comment: The c.2319_2321delGGA variant (also known as p.E774del) is located in coding exon 9 of the RNF43 gene. This variant results from an in-frame GGA deletion at nucleotide positions 2319 to 2321. This results in the in-frame deletion of a glutamic acid at codon 774. This amino acid position is highly conserved in available vertebrate species. In addition, the in silico prediction for this variant is inconclusive (Choi Y et al. PLoS ONE. 2012; 7(10):e46688). The evidence for this gene-disease relationship is limited; therefore, the clinical significance of this alteration is unclear.

Labcorp Genetics (formerly Invitae), Labcorp
Classification: Uncertain significance. Last evaluated: 2022-03-07. Review status: criteria provided, single submitter. Criteria: Invitae Variant Classification Sherloc (09022015). Collection method: clinical testing. Allele origin: germline.
Comment: In summary, the available evidence is currently insufficient to determine the role of this variant in disease. Therefore, it has been classified as a Variant of Uncertain Significance. Experimental studies and prediction algorithms are not available or were not evaluated, and the functional significance of this variant is currently unknown. This variant has not been reported in the literature in individuals affected with RNF43-related conditions. This variant is present in population databases (no rsID available, gnomAD 0.0009%). This variant, c.2319_2321del, results in the deletion of 1 amino acid(s) of the RNF43 protein (p.Glu774del), but otherwise preserves the integrity of the reading frame.

NM_017763.6(RNF43):c.2316GGA[1] (p.Glu774del)

Gene: RNF43 (ring finger protein 43; minus strand). Cytogenetic location: 17q22.
Variant type: Microsatellite.
Coding change: c.2316GGA[1] on transcript NM_017763.6 (MANE Select); one copy of the 3-base unit GGA starting at c.2316; the reference has two copies in a row; one copy, 3 bases deleted.
Protein change: p.Glu774del; deletes glutamic acid 774.
Molecular consequence: inframe deletion. On other transcripts: inframe indel (2).
Genome position (GRCh38, 1-based): chr17:58,354,974-58,354,976, TCC deleted on the plus strand (GGA on the coding strand, the reverse complement: RNF43 is on the minus strand); deleting any 3 consecutive bases within chr17:58,354,974-58,354,981 gives the same sequence; the position shown is the placement nearest the transcript's 3' end. VCF-style (leftmost placement, unchanged base first): chr17-58354973-TTCC-T. GRCh37 (hg19) VCF-style: chr17-56432334-TTCC-T.
Other names: c.2314_2316GAG[1], p.Glu774del (NM_001305544.3); c.1933_1935GAG[1], p.Glu647del (NM_001305545.2); c.2319_2321delGGA (NM_017763.6); short protein forms E647del, E774del.
Identifiers: ClinVar variation 1450512 (VCV001450512.10), dbSNP rs1351805823, ClinGen allele CA626738736.